The following is an entry in ClinVar:

ClinVar aggregate classification (germline): Uncertain significance. Review status: criteria provided, multiple submitters, no conflicts (2 of 4 stars). 2 submissions from 2 submitters: Uncertain significance (2). Last evaluated 2022-11-06.

Conditions:
Hereditary cancer-predisposing syndrome. Also called: Neoplastic Syndromes, Hereditary; Tumor predisposition; Hereditary Cancer Syndrome; Hereditary neoplastic syndrome. Identifiers: Orphanet 140162, MedGen C0027672, MeSH D009386, MONDO:0015356.
Rhabdoid tumor predisposition syndrome 2 (RTPS2). Identifiers: Orphanet 231108, Orphanet 69077, MedGen C2750074, MONDO:0013224, OMIM 613325.

Submissions (2):

Labcorp Genetics (formerly Invitae), Labcorp
Classification: Uncertain significance for Rhabdoid tumor predisposition syndrome 2. Last evaluated: 2022-11-06. Review status: criteria provided, single submitter. Criteria: Invitae Variant Classification Sherloc (09022015). Collection method: clinical testing. Allele origin: germline.
Comment: This variant has not been reported in the literature in individuals affected with SMARCA4-related conditions. In summary, the available evidence is currently insufficient to determine the role of this variant in disease. Therefore, it has been classified as a Variant of Uncertain Significance. Experimental studies and prediction algorithms are not available or were not evaluated, and the functional significance of this variant is currently unknown. ClinVar contains an entry for this variant (Variation ID: 484986). This variant is not present in population databases (gnomAD no frequency). This variant, c.4797_4799del, results in the deletion of 1 amino acid(s) of the SMARCA4 protein (p.Glu1599del), but otherwise preserves the integrity of the reading frame.

Ambry Genetics
Classification: Uncertain significance for Hereditary cancer-predisposing syndrome. Last evaluated: 2017-08-17. Review status: criteria provided, single submitter. Criteria: Ambry Variant Classification Scheme 2023. Collection method: clinical testing. Allele origin: germline.
Comment: The c.4797_4799delGGA variant (also known as p.E1599del) is located in coding exon 33 of the SMARCA4 gene. This variant results from an in-frame GGA deletion at nucleotide positions 4797 to 4799. This results in the in-frame deletion of a glutamic acid at codon 1599. This amino acid position is highly conserved in available vertebrate species. Since supporting evidence is limited at this time, the clinical significance of this alteration remains unclear.

NM_003072.5(SMARCA4):c.4698GGA[1] (p.Glu1567del)

Gene: SMARCA4 (SWI/SNF related BAF chromatin remodeling complex subunit ATPase 4; plus strand). Cytogenetic location: 19p13.2.
Variant type: Microsatellite.
Coding change: c.4698GGA[1] on transcript NM_003072.5 (MANE Select); one copy of the 3-base unit GGA starting at c.4698; the reference has two copies in a row; one copy, 3 bases deleted.
Protein change: p.Glu1567del; deletes glutamic acid 1567.
Molecular consequence: inframe deletion. On other transcripts: non-coding transcript variant (1).
Genome position (GRCh38, 1-based): chr19:11,059,818-11,059,820, GGA deleted; deleting any 3 consecutive bases within chr19:11,059,814-11,059,820 gives the same sequence; the position shown is the placement nearest the transcript's 3' end. VCF-style (leftmost placement, unchanged base first): chr19-11059813-AAGG-A. GRCh37 (hg19) VCF-style: chr19-11170489-AAGG-A.
Other names: c.4698GGA[1], p.Glu1567del (NM_001128844.3); c.4608GGA[1], p.Glu1537del (NM_001128845.2); c.4605GGA[1], p.Glu1536del (NM_001128846.2); c.4599GGA[1], p.Glu1534del (NM_001128847.4, NM_001374457.1); c.4596GGA[1], p.Glu1533del (NM_001128848.2); c.4794GGA[1], p.Glu1599del (NM_001128849.3, NM_001387283.1); short protein forms E1599del, E1533del, E1536del, E1537del, E1534del, E1567del.
Identifiers: ClinVar variation 484986 (VCV000484986.8), dbSNP rs1555795933, ClinGen allele CA658658775.